The following is an entry in ClinVar:

NM_001377.3(DYNC2H1):c.152T>G (p.Leu51Arg)

Gene: DYNC2H1 (dynein cytoplasmic 2 heavy chain 1; plus strand). Cytogenetic location: 11q22.3.
Variant type: single nucleotide variant.
Coding change: c.152T>G on transcript NM_001377.3 (MANE Select); coding-DNA position 152, T replaced by G.
Protein change: p.Leu51Arg; replaces leucine 51 with arginine.
Molecular consequence: missense variant.
Genome position (GRCh38, 1-based): chr11:103,109,726, T>G. VCF-style: chr11-103109726-T-G. GRCh37 (hg19) VCF-style: chr11-102980455-T-G.
Other names: c.152T>G, p.Leu51Arg (NM_001080463.2); short protein forms L51R.
Identifiers: ClinVar variation 3629552 (VCV003629552.2).

ClinVar aggregate classification (germline): Uncertain significance (1 of 4 stars; one submission).

gnomAD v4.1: 1 of 1,613,944 alleles (0.000062%); highest among the groups gnomAD compares: Non-Finnish European, 0.000085%; no homozygotes.

Submission:

Women's Health and Genetics/Laboratory Corporation of America, LabCorp
Classification: Uncertain significance. Last evaluated: 2024-11-26. Review status: criteria provided, single submitter. Criteria: LabCorp Variant Classification Summary - May 2015. Collection method: clinical testing. Allele origin: germline.
Comment: Variant summary: DYNC2H1 c.152T>G (p.Leu51Arg) results in a non-conservative amino acid change in the encoded protein sequence. Four of five in-silico tools predict a damaging effect of the variant on protein function. The variant was absent in 249164 control chromosomes. c.152T>G has been reported in the literature in two compound heterozygous fetuses affected with Short-rib thoracic dysplasia (Liu_2021). These data indicate that the variant may be associated with disease. To our knowledge, no experimental evidence demonstrating an impact on protein function has been reported. The following publication have been ascertained in the context of this evaluation (PMID: 34675960). No submitters have cited clinical-significance assessments for this variant to ClinVar. Based on the evidence outlined above, the variant was classified as VUS-possibly pathogenic.

Literature cited by the submitters: PubMed 34675960.